The following is an entry in ClinVar:

NM_000095.3(COMP):c.1363G>A (p.Ala455Thr)

Gene: COMP (cartilage oligomeric matrix protein; minus strand). Cytogenetic location: 19p13.11.
Variant type: single nucleotide variant.
Coding change: c.1363G>A on transcript NM_000095.3 (MANE Select); coding-DNA position 1363, G replaced by A.
Protein change: p.Ala455Thr; replaces alanine 455 with threonine.
Molecular consequence: missense variant.
Genome position (GRCh38, 1-based): chr19:18,786,091, C>T on the plus strand (G>A on the coding strand, the complement: COMP is on the minus strand). VCF-style: chr19-18786091-C-T. GRCh37 (hg19) VCF-style: chr19-18896901-C-T.
Other names: short protein forms A455T.
Identifiers: ClinVar variation 3010251 (VCV003010251.3), dbSNP rs2512847595, ClinGen allele CA404884904.

ClinVar aggregate classification (germline): Uncertain significance (1 of 4 stars; one submission).

Allele frequency attached by ClinVar (database versions not stated): gnomAD exomes 0.00001.
gnomAD v4.1: 7 of 1,614,148 alleles (0.00043%); highest among the groups gnomAD compares: South Asian, 0.0011%; no homozygotes.

Submission:

Labcorp Genetics (formerly Invitae), Labcorp
Classification: Uncertain significance. Last evaluated: 2023-05-11. Review status: criteria provided, single submitter. Criteria: Invitae Variant Classification Sherloc (09022015). Collection method: clinical testing. Allele origin: germline.
Comment: In summary, the available evidence is currently insufficient to determine the role of this variant in disease. Therefore, it has been classified as a Variant of Uncertain Significance. This sequence change replaces alanine, which is neutral and non-polar, with threonine, which is neutral and polar, at codon 455 of the COMP protein (p.Ala455Thr). This variant is not present in population databases (gnomAD no frequency). This variant has not been reported in the literature in individuals affected with COMP-related conditions. Advanced modeling of protein sequence and biophysical properties (such as structural, functional, and spatial information, amino acid conservation, physicochemical variation, residue mobility, and thermodynamic stability) performed at Invitae indicates that this missense variant is not expected to disrupt COMP protein function.